The following is an entry in ClinVar:

ClinVar aggregate classification (germline): Uncertain significance (1 of 4 stars; one submission).

gnomAD v4.1: 2 of 1,614,220 alleles (0.00012%); no homozygotes.

Submission:

GeneDx
Classification: Uncertain significance. Last evaluated: 2024-11-27. Review status: criteria provided, single submitter. Criteria: GeneDx Variant Classification Process June 2021. Collection method: clinical testing. Allele origin: germline. Affected: yes.
Comment: Not observed at significant frequency in large population cohorts (gnomAD); In silico analysis indicates that this missense variant does not alter protein structure/function; Has not been previously published as pathogenic or benign to our knowledge

NM_022168.4(IFIH1):c.124G>T (p.Val42Leu)

Gene: IFIH1 (interferon induced with helicase C domain 1; minus strand). Cytogenetic location: 2q24.2.
Variant type: single nucleotide variant.
Coding change: c.124G>T on transcript NM_022168.4 (MANE Select); coding-DNA position 124, G replaced by T.
Protein change: p.Val42Leu; replaces valine 42 with leucine.
Molecular consequence: missense variant.
Genome position (GRCh38, 1-based): chr2:162,318,184, C>A on the plus strand (G>T on the coding strand, the complement: IFIH1 is on the minus strand). VCF-style: chr2-162318184-C-A. GRCh37 (hg19) VCF-style: chr2-163174694-C-A.
Other names: short protein forms V42L.
Identifiers: ClinVar variation 3900918 (VCV003900918.1).